The following is an entry in ClinVar:

ClinVar aggregate classification (germline): Uncertain significance (1 of 4 stars; one submission).

Conditions:
Inborn genetic diseases. Identifiers: MedGen C0950123, MeSH D030342.

Submission:

Ambry Genetics
Classification: Uncertain significance for Inborn genetic diseases. Last evaluated: 2026-04-22. Review status: criteria provided, single submitter. Criteria: Ambry Variant Classification Scheme 2023. Collection method: clinical testing. Allele origin: germline.
Comment: The p.E835K variant (also known as c.2503G>A), located in coding exon 14 of the FANCM gene, results from a G to A substitution at nucleotide position 2503. The glutamic acid at codon 835 is replaced by lysine, an amino acid with similar properties. This amino acid position is conserved. In addition, this alteration is predicted to be tolerated by in silico analysis. Based on the available evidence, the clinical significance of this variant remains unclear.

NM_020937.4(FANCM):c.2503G>A (p.Glu835Lys)

Gene: FANCM (FA complementation group M; plus strand). Cytogenetic location: 14q21.2.
Variant type: single nucleotide variant.
Coding change: c.2503G>A on transcript NM_020937.4 (MANE Select); coding-DNA position 2503, G replaced by A.
Protein change: p.Glu835Lys; replaces glutamic acid 835 with lysine.
Molecular consequence: missense variant.
Genome position (GRCh38, 1-based): chr14:45,175,257, G>A. VCF-style: chr14-45175257-G-A. GRCh37 (hg19) VCF-style: chr14-45644460-G-A.
Other names: c.2425G>A, p.Glu809Lys (NM_001308133.2); short protein forms E809K, E835K.
Identifiers: ClinVar variation 4871091 (VCV004871091.1).
Genomic context (GRCh38, chr14:45,175,257, plus strand): 5'-TCGTCATTTATAAAGAACATAAATCAAGGCAGTTCATCCTCAGTGATAGAATCTGATGAA[G>A]AATGTGCTGAAATTGTTAAACAAACTCATATCAAACCTACTAAAATTGTTTCTTTAAAGA-3'
Protein context (NP_065988.1, residues 825-845): SSSSVIESDE[Glu835Lys]CAEIVKQTHI